The following is an entry in ClinVar:

ClinVar aggregate classification (germline): Likely benign. Review status: criteria provided, multiple submitters, no conflicts (2 of 4 stars). 2 submissions from 2 submitters: Likely benign (2). Last evaluated 2026-06-01.

gnomAD v4.1: 1,450 of 1,607,846 alleles (0.09%); highest among the groups gnomAD compares: African/African-American, 1.3%; 6 homozygotes.

Submissions (2):

CeGaT Center for Human Genetics Tuebingen
Classification: Likely benign. Last evaluated: 2026-06-01. Review status: criteria provided, single submitter. Criteria: CeGaT Center For Human Genetics Tuebingen Variant Classification Criteria Version 2. Collection method: clinical testing. Allele origin: germline. Affected: yes. Observed: 1 variant allele.
Comment: KDM5A: BS1

Blueprint Genetics
Classification: Likely benign. Last evaluated: 2024-11-26. Review status: criteria provided, single submitter. Criteria: ACMG Guidelines, 2015. Collection method: clinical testing. Allele origin: germline.

NM_001042603.3(KDM5A):c.761G>A (p.Gly254Glu)

Gene: KDM5A (lysine demethylase 5A; minus strand). Cytogenetic location: 12p13.33.
Variant type: single nucleotide variant.
Coding change: c.761G>A on transcript NM_001042603.3 (MANE Select); coding-DNA position 761, G replaced by A.
Protein change: p.Gly254Glu; replaces glycine 254 with glutamic acid.
Molecular consequence: missense variant.
Genome position (GRCh38, 1-based): chr12:356,449, C>T on the plus strand (G>A on the coding strand, the complement: KDM5A is on the minus strand). VCF-style: chr12-356449-C-T. GRCh37 (hg19) VCF-style: chr12-465615-C-T.
Other names: short protein forms G254E.
Identifiers: ClinVar variation 4872100 (VCV004872100.3).
Genomic context (GRCh38, chr12:356,449, plus strand): 5'-TATTCTACCTTATCTCTTTTCATGATCAAACAACAAATTTTACCTTCTTTATCTTTTGTT[C>T]CCATTGCCAAGCCCACAACCTTGGGCCCAGCCCCAAAAATCTGAAGTTTCTTCAGTTCCG-3'
Protein context (NP_001036068.1, residues 244-264): AGPKVVGLAM[Gly254Glu]TKDKEDEVTR